The following is an entry in ClinVar:

ClinVar aggregate classification (germline): Likely benign. Review status: criteria provided, multiple submitters, no conflicts (2 of 4 stars). 3 submissions from 3 submitters: Likely benign (3). Last evaluated 2025-09-03.

Conditions:
Hereditary cancer-predisposing syndrome. Also called: Tumor predisposition; Neoplastic Syndromes, Hereditary; Hereditary Cancer Syndrome; Hereditary neoplastic syndrome. Identifiers: Orphanet 140162, MedGen C0027672, MeSH D009386, MONDO:0015356.

Submissions (3):

Labcorp Genetics (formerly Invitae), Labcorp
Classification: Likely benign. Last evaluated: 2025-09-03. Review status: criteria provided, single submitter. Criteria: Invitae Variant Classification Sherloc (09022015). Collection method: clinical testing. Allele origin: germline.

CeGaT Center for Human Genetics Tuebingen
Classification: Likely benign. Last evaluated: 2023-02-01. Review status: criteria provided, single submitter. Criteria: CeGaT Center For Human Genetics Tuebingen Variant Classification Criteria Version 2. Collection method: clinical testing. Allele origin: germline. Affected: yes. Observed: 1 variant allele.
Comment: MSH3: PM2:Supporting, BP4, BP7

Ambry Genetics
Classification: Likely benign for Hereditary cancer-predisposing syndrome. Last evaluated: 2020-01-02. Review status: criteria provided, single submitter. Criteria: Ambry Variant Classification Scheme 2023. Collection method: clinical testing. Allele origin: germline.

NM_002439.5(MSH3):c.2607G>A (p.Val869=)

Gene: MSH3 (mutS homolog 3; plus strand). Cytogenetic location: 5q14.1.
Variant type: single nucleotide variant.
Coding change: c.2607G>A on transcript NM_002439.5 (MANE Select); coding-DNA position 2607, G replaced by A.
Protein change: p.Val869=; no amino-acid change (valine 869 retained).
Molecular consequence: synonymous variant.
Genome position (GRCh38, 1-based): chr5:80,792,796, G>A. VCF-style: chr5-80792796-G-A. GRCh37 (hg19) VCF-style: chr5-80088615-G-A.
Identifiers: ClinVar variation 1535966 (VCV001535966.34), dbSNP rs2112026778, ClinGen allele CA445163493.